The following is an entry in ClinVar:

ClinVar aggregate classification (germline): Likely benign (1 of 4 stars; one submission).

Submission:

GeneDx
Classification: Likely benign. Last evaluated: 2016-12-14. Review status: criteria provided, single submitter. Criteria: GeneDx Variant Classification (06012015). Collection method: clinical testing. Allele origin: germline. Affected: yes.
Comment: This variant is considered likely benign or benign based on one or more of the following criteria: it is a conservative change, it occurs at a poorly conserved position in the protein, it is predicted to be benign by multiple in silico algorithms, and/or has population frequency not consistent with disease.

NM_005633.4(SOS1):c.1203-25AAT[3]

Gene: SOS1 (SOS Ras/Rac guanine nucleotide exchange factor 1; minus strand). Cytogenetic location: 2p22.1.
Variant type: Microsatellite.
Coding change: c.1203-25AAT[3] on transcript NM_005633.4 (MANE Select); three copies in a row of the 3-base unit AAT starting at c.1203-25; the reference has two copies in a row; one copy, 3 bases duplicated.
Molecular consequence: intron variant.
Genome position (GRCh38, 1-based): chr2:39,023,245-39,023,247, ATT duplicated on the plus strand (AAT on the coding strand, the reverse complement: SOS1 is on the minus strand); duplicating any 3 consecutive bases within chr2:39,023,245-39,023,251 gives the same sequence; the position shown is the placement nearest the transcript's 3' end. VCF-style (leftmost placement, unchanged base first): chr2-39023244-C-CATT. GRCh37 (hg19) VCF-style: chr2-39250385-C-CATT.
Other names: c.1203-22_1203-20dupAAT (NM_005633.3); c.1182-25AAT[3] (NM_001382394.1); c.1203-25AAT[3] (NM_001382395.1).
Identifiers: ClinVar variation 422897 (VCV000422897.1), dbSNP rs1553356212, ClinGen allele CA16617536.